The following is an entry in ClinVar:

NM_002181.4(IHH):c.866G>A (p.Arg289His)

Gene: IHH (Indian hedgehog signaling molecule; minus strand). Cytogenetic location: 2q35.
Variant type: single nucleotide variant.
Coding change: c.866G>A on transcript NM_002181.4 (MANE Select); coding-DNA position 866, G replaced by A.
Protein change: p.Arg289His; replaces arginine 289 with histidine.
Molecular consequence: missense variant.
Genome position (GRCh38, 1-based): chr2:219,055,577, C>T on the plus strand (G>A on the coding strand, the complement: IHH is on the minus strand). VCF-style: chr2-219055577-C-T. GRCh37 (hg19) VCF-style: chr2-219920299-C-T.
Other names: c.866G>A (NM_002181.3); short protein forms R289H.
Identifiers: ClinVar variation 3015677 (VCV003015677.4), dbSNP rs13415309, ClinGen allele CA2116585.

ClinVar aggregate classification (germline): Conflicting classifications of pathogenicity. Review status: criteria provided, conflicting classifications (1 of 4 stars). 2 submissions from 2 submitters: Uncertain significance (1); Likely benign (1). Last evaluated 2025-08-10.

Conditions:
Inborn genetic diseases. Identifiers: MedGen C0950123, MeSH D030342.

Allele frequency attached by ClinVar (database versions not stated): ExAC 0.00005.
gnomAD v4.1: 169 of 1,612,960 alleles (0.01%); highest among the groups gnomAD compares: Non-Finnish European, 0.014%; no homozygotes.

Submissions (2):

Ambry Genetics
Classification: Likely benign for Inborn genetic diseases. Last evaluated: 2025-08-10. Review status: criteria provided, single submitter. Criteria: Ambry Variant Classification Scheme 2023. Collection method: clinical testing. Allele origin: germline.

Labcorp Genetics (formerly Invitae), Labcorp
Classification: Uncertain significance. Last evaluated: 2023-01-03. Review status: criteria provided, single submitter. Criteria: Invitae Variant Classification Sherloc (09022015). Collection method: clinical testing. Allele origin: germline.
Comment: This sequence change replaces arginine, which is basic and polar, with histidine, which is basic and polar, at codon 289 of the IHH protein (p.Arg289His). This variant is present in population databases (rs13415309, gnomAD 0.01%). This variant has not been reported in the literature in individuals affected with IHH-related conditions. Advanced modeling of protein sequence and biophysical properties (such as structural, functional, and spatial information, amino acid conservation, physicochemical variation, residue mobility, and thermodynamic stability) performed at Invitae indicates that this missense variant is not expected to disrupt IHH protein function. In summary, the available evidence is currently insufficient to determine the role of this variant in disease. Therefore, it has been classified as a Variant of Uncertain Significance.